The following is an entry in ClinVar:

ClinVar aggregate classification (germline): Uncertain significance (1 of 4 stars; one submission).

Allele frequency attached by ClinVar (database versions not stated): gnomAD exomes 0.00001.

Submission:

Athena Diagnostics
Classification: Uncertain significance. Last evaluated: 2023-01-16. Review status: criteria provided, single submitter. Criteria: Athena Diagnostics Criteria. Collection method: clinical testing. Allele origin: unknown.
Comment: Available data are insufficient to determine the clinical significance of the variant at this time. This variant has not been reported in large, multi-ethnic general populations. Computational tools yielded predictions that this variant is unlikely to have an effect on normal RNA splicing.

NM_000217.3(KCNA1):c.357T>C (p.Phe119=)

Gene: KCNA1 (potassium voltage-gated channel subfamily A member 1; plus strand). Cytogenetic location: 12p13.32.
Variant type: single nucleotide variant.
Coding change: c.357T>C on transcript NM_000217.3 (MANE Select); coding-DNA position 357, T replaced by C.
Protein change: p.Phe119=; no amino-acid change (phenylalanine 119 retained).
Molecular consequence: synonymous variant.
Genome position (GRCh38, 1-based): chr12:4,911,735, T>C. VCF-style: chr12-4911735-T-C. GRCh37 (hg19) VCF-style: chr12-5020901-T-C.
Identifiers: ClinVar variation 2684253 (VCV002684253.1), dbSNP rs2497352063, ClinGen allele CA478094255.